The following is an entry in ClinVar:

ClinVar aggregate classification (germline): Uncertain significance (1 of 4 stars; one submission).

Allele frequency attached by ClinVar (database versions not stated): gnomAD 0.00001; gnomAD exomes 0.00001; TOPMed 0.00001; ExAC 0.00002.
gnomAD v4.1: 23 of 1,613,684 alleles (0.0014%); highest among the groups gnomAD compares: South Asian, 0.0044%; no homozygotes.

Submission:

GeneDx
Classification: Uncertain significance. Last evaluated: 2022-07-13. Review status: criteria provided, single submitter. Criteria: GeneDx Variant Classification Process June 2021. Collection method: clinical testing. Allele origin: germline. Affected: yes.
Comment: Not observed at significant frequency in large population cohorts (gnomAD); Has not been previously published as pathogenic or benign to our knowledge; In silico analysis supports that this missense variant does not alter protein structure/function

NM_000501.4(ELN):c.1318G>A (p.Glu440Lys)

Gene: ELN (elastin; plus strand). Cytogenetic location: 7q11.23.
Variant type: single nucleotide variant.
Coding change: c.1318G>A on transcript NM_000501.4 (MANE Select); coding-DNA position 1318, G replaced by A.
Protein change: p.Glu440Lys; replaces glutamic acid 440 with lysine.
Molecular consequence: missense variant.
Genome position (GRCh38, 1-based): chr7:74,056,674, G>A. VCF-style: chr7-74056674-G-A. GRCh37 (hg19) VCF-style: chr7-73471004-G-A.
Other names: c.1288G>A, p.Glu430Lys (NM_001081752.3, NM_001278917.2); c.1333G>A, p.Glu445Lys (NM_001081753.3, NM_001081754.3); c.1318G>A, p.Glu440Lys (NM_001081755.3, NM_001278912.2, NM_001278915.2 and 1 more transcripts); c.1132G>A, p.Glu378Lys (NM_001278913.2); c.1303G>A, p.Glu435Lys (NM_001278914.2); c.1276G>A, p.Glu426Lys (NM_001278916.2); c.1108G>A, p.Glu370Lys (NM_001278918.2); short protein forms E370K, E378K, E426K, E430K, E435K, E440K, E445K.
Identifiers: ClinVar variation 1698371 (VCV001698371.2), dbSNP rs782409012, ClinGen allele CA4292945.